The following is an entry in ClinVar:

ClinVar aggregate classification (germline): Uncertain significance (1 of 4 stars; one submission).

Conditions:
Inborn genetic diseases. Identifiers: MedGen C0950123, MeSH D030342.

Allele frequency attached by ClinVar (database versions not stated): gnomAD exomes below 0.00001.
gnomAD v4.1: 3 of 1,612,186 alleles (0.00019%); highest among the groups gnomAD compares: Non-Finnish European, 0.00025%; no homozygotes.

Submission:

Ambry Genetics
Classification: Uncertain significance for Inborn genetic diseases. Last evaluated: 2022-04-24. Review status: criteria provided, single submitter. Criteria: Ambry Variant Classification Scheme 2023. Collection method: clinical testing. Allele origin: germline.
Comment: The p.Q370K variant (also known as c.1108C>A), located in coding exon 7 of the SLC5A7 gene, results from a C to A substitution at nucleotide position 1108. The glutamine at codon 370 is replaced by lysine, an amino acid with similar properties. This amino acid position is conserved. In addition, the in silico prediction for this alteration is inconclusive. Since supporting evidence is limited at this time, the clinical significance of this alteration remains unclear.

NM_021815.5(SLC5A7):c.1108C>A (p.Gln370Lys)

Gene: SLC5A7 (solute carrier family 5 member 7; plus strand). Cytogenetic location: 2q12.3.
Variant type: single nucleotide variant.
Coding change: c.1108C>A on transcript NM_021815.5 (MANE Select); coding-DNA position 1108, C replaced by A.
Protein change: p.Gln370Lys; replaces glutamine 370 with lysine.
Molecular consequence: missense variant.
Genome position (GRCh38, 1-based): chr2:108,008,677, C>A. VCF-style: chr2-108008677-C-A. GRCh37 (hg19) VCF-style: chr2-108625133-C-A.
Other names: c.1108C>A, p.Gln370Lys (NM_001305005.3); c.793C>A, p.Gln265Lys (NM_001305006.3); c.367C>A, p.Gln123Lys (NM_001305007.3); short protein forms Q123K, Q265K, Q370K.
Identifiers: ClinVar variation 1794233 (VCV001794233.2), dbSNP rs1678207919, ClinGen allele CA348113846.